The following is an entry in ClinVar:

NM_004999.4(MYO6):c.178G>C (p.Glu60Gln)

Gene: MYO6 (myosin VI; plus strand). Cytogenetic location: 6q14.1.
Variant type: single nucleotide variant.
Coding change: c.178G>C on transcript NM_004999.4 (MANE Select); coding-DNA position 178, G replaced by C.
Protein change: p.Glu60Gln; replaces glutamic acid 60 with glutamine.
Molecular consequence: missense variant. On other transcripts: non-coding transcript variant (2).
Genome position (GRCh38, 1-based): chr6:75,822,842, G>C. VCF-style: chr6-75822842-G-C. GRCh37 (hg19) VCF-style: chr6-76532559-G-C.
Other names: c.178G>C, p.Glu60Gln (NM_001300899.2, NM_001368136.1, NM_001368137.1 and 5 more transcripts); short protein forms E60Q.
Identifiers: ClinVar variation 667281 (VCV000667281.11), dbSNP rs757420692, ClinGen allele CA3896740.

ClinVar aggregate classification (germline): Uncertain significance. Review status: criteria provided, multiple submitters, no conflicts (2 of 4 stars). 5 submissions from 5 submitters: Uncertain significance (5). Last evaluated 2025-03-07.

Conditions:
Autosomal dominant nonsyndromic hearing loss 22. Also called: Autosomal dominant nonsyndromic deafness 22; DFNA 22. Identifiers: Orphanet 228012, MedGen C2931767, MONDO:0011660, OMIM 606346.

Allele frequency attached by ClinVar (database versions not stated): ExAC 0.00001; gnomAD 0.00001; gnomAD exomes 0.00001; TOPMed 0.00002.
gnomAD v4.1: 28 of 1,612,412 alleles (0.0017%); highest among the groups gnomAD compares: Middle Eastern, 0.2%; no homozygotes.

Submissions (5):

Labcorp Genetics (formerly Invitae), Labcorp
Classification: Uncertain significance. Last evaluated: 2025-03-07. Review status: criteria provided, single submitter. Criteria: Invitae Variant Classification Sherloc (09022015). Collection method: clinical testing. Allele origin: germline.
Comment: This sequence change replaces glutamic acid, which is acidic and polar, with glutamine, which is neutral and polar, at codon 60 of the MYO6 protein (p.Glu60Gln). This variant is present in population databases (rs757420692, gnomAD 0.006%). This missense change has been observed in individual(s) with nonsyndromic deafness (PMID: 28501645). ClinVar contains an entry for this variant (Variation ID: 667281). Invitae Evidence Modeling of protein sequence and biophysical properties (such as structural, functional, and spatial information, amino acid conservation, physicochemical variation, residue mobility, and thermodynamic stability) indicates that this missense variant is not expected to disrupt MYO6 protein function with a negative predictive value of 80%. In summary, the available evidence is currently insufficient to determine the role of this variant in disease. Therefore, it has been classified as a Variant of Uncertain Significance.

Blueprint Genetics
Classification: Uncertain significance. Last evaluated: 2024-08-21. Review status: criteria provided, single submitter. Criteria: ACMG Guidelines, 2015. Collection method: clinical testing. Allele origin: germline.

GeneDx
Classification: Uncertain significance. Last evaluated: 2024-08-21. Review status: criteria provided, single submitter. Criteria: GeneDx Variant Classification Process June 2021. Collection method: clinical testing. Allele origin: germline. Affected: yes.
Comment: Observed in homozygous state in patients with bilateral sensorineural hearing loss referred for genetic testing at GeneDx and in the literature; however, variant also observed in at least one homozygous clinically unaffected adult relative of an individual referred for genetic testing at GeneDx (PMID: 28501645); In silico analysis indicates that this missense variant does not alter protein structure/function; This variant is associated with the following publications: (PMID: 24123366, 34426522, 35328790, 36777185, 28501645)

Genomic Medicine Center of Excellence, King Faisal Specialist Hospital and Research Centre
Classification: Uncertain significance for Autosomal dominant nonsyndromic hearing loss 22. Last evaluated: 2024-03-26. Review status: criteria provided, single submitter. Criteria: ACMG Guidelines, 2015. Collection method: clinical testing. Allele origin: germline.

Laboratory for Molecular Medicine, Mass General Brigham Personalized Medicine
Classification: Uncertain significance. Last evaluated: 2022-06-30. Review status: criteria provided, single submitter. Criteria: ACMG Guidelines, 2015. Collection method: clinical testing. Allele origin: germline.
Comment: The p.Glu60Gln variant in MYO6 has been reported in the homozygous state in 2 siblings from a consanguineous Qatari family with severe to profound hearing loss (Alkowari 2017). It was also identified in 0.006% (2/30780) South Asian chromosomes by the Genome Aggregation Database (gnomAD). Computational prediction tools and conservation analysis suggest that the variant may impact the protein, though this information is not predictive enough to determine pathogenicity. In summary, the clinical significance of the p.Glu60Gln variant is uncertain. ACMG/AMP criteria applied: PP1, PP3, PM3_Supporting.

Literature cited by the submitters: PubMed 28501645 (cited by Labcorp Genetics (formerly Invitae), Labcorp and Laboratory for Molecular Medicine, Mass General Brigham Personalized Medicine); PubMed 24123366 (cited by Laboratory for Molecular Medicine, Mass General Brigham Personalized Medicine).